The following is an entry in ClinVar:

NM_001142864.4(PIEZO1):c.5602C>T (p.Arg1868Cys)

Gene: PIEZO1 (piezo type mechanosensitive ion channel component 1 (Er blood group); minus strand). Cytogenetic location: 16q24.3.
Variant type: single nucleotide variant.
Coding change: c.5602C>T on transcript NM_001142864.4 (MANE Select); coding-DNA position 5602, C replaced by T.
Protein change: p.Arg1868Cys; replaces arginine 1868 with cysteine.
Molecular consequence: missense variant.
Genome position (GRCh38, 1-based): chr16:88,721,232, G>A on the plus strand (C>T on the coding strand, the complement: PIEZO1 is on the minus strand). VCF-style: chr16-88721232-G-A. GRCh37 (hg19) VCF-style: chr16-88787640-G-A.
Other names: p.Arg1868Cys; short protein forms R1868C.
Identifiers: ClinVar variation 3356779 (VCV003356779.4).

ClinVar aggregate classification (germline): Conflicting classifications of pathogenicity. Review status: criteria provided, conflicting classifications (1 of 4 stars). 3 submissions from 3 submitters: Uncertain significance (1); Benign (1). 1 of the submissions does not count toward it. Last evaluated 2025-07-08.

Conditions:
PIEZO1-related disorder. Also called: PIEZO1-related condition; PIEZO1-Related Disorders.

gnomAD v4.1: 217 of 1,539,860 alleles (0.014%); highest among the groups gnomAD compares: East Asian, 0.022%; no homozygotes.

Submissions (3):

Labcorp Genetics (formerly Invitae), Labcorp
Classification: Benign. Last evaluated: 2025-07-08. Review status: criteria provided, single submitter. Criteria: Invitae Variant Classification Sherloc (09022015). Collection method: clinical testing. Allele origin: germline.

Mayo Clinic Laboratories, Mayo Clinic
Classification: Uncertain significance. Last evaluated: 2024-08-02. Review status: criteria provided, single submitter. Criteria: ACMG Guidelines, 2015. Collection method: clinical testing. Allele origin: germline. Observed: 1 variant allele.

PreventionGenetics, part of Exact Sciences
Classification: Uncertain significance for PIEZO1-related condition. Last evaluated: 2024-03-15. Review status: no assertion criteria provided. Collection method: clinical testing. Allele origin: germline. Not counted in ClinVar's aggregate classification.
Comment: The PIEZO1 c.5602C>T variant is predicted to result in the amino acid substitution p.Arg1868Cys. To our knowledge, this variant has not been reported in the literature. This variant is reported in 0.018% of alleles in individuals of African descent in gnomAD. At this time, the clinical significance of this variant is uncertain due to the absence of conclusive functional and genetic evidence.